The following is an entry in ClinVar:

ClinVar aggregate classification (germline): Uncertain significance. Review status: criteria provided, multiple submitters, no conflicts (2 of 4 stars). 2 submissions from 2 submitters: Uncertain significance (2). Last evaluated 2025-05-20.

Conditions:
Brachyolmia-amelogenesis imperfecta syndrome. Also called: PLATYSPONDYLY WITH AMELOGENESIS IMPERFECTA; Tooth agenesis, selective, 6; Dental anomalies and short stature. Identifiers: Orphanet 2899, MedGen C1832594, MONDO:0011018, OMIM 601216. Disease mechanism: loss of function.
Inborn genetic diseases. Identifiers: MedGen C0950123, MeSH D030342.

Allele frequency attached by ClinVar (database versions not stated): gnomAD 0.00001; gnomAD exomes 0.00001; TOPMed 0.00001.
gnomAD v4.1: 15 of 1,524,544 alleles (0.00098%); highest among the groups gnomAD compares: Non-Finnish European, 0.0012%; no homozygotes.

Submissions (2):

Ambry Genetics
Classification: Uncertain significance for Inborn genetic diseases. Last evaluated: 2025-05-20. Review status: criteria provided, single submitter. Criteria: Ambry Variant Classification Scheme 2023. Collection method: clinical testing. Allele origin: germline.

Labcorp Genetics (formerly Invitae), Labcorp
Classification: Uncertain significance for Brachyolmia-amelogenesis imperfecta syndrome. Last evaluated: 2025-04-09. Review status: criteria provided, single submitter. Criteria: Invitae Variant Classification Sherloc (09022015). Collection method: clinical testing. Allele origin: germline.
Comment: This sequence change replaces arginine, which is basic and polar, with serine, which is neutral and polar, at codon 1142 of the LTBP3 protein (p.Arg1142Ser). This variant is not present in population databases (gnomAD no frequency). This variant has not been reported in the literature in individuals affected with LTBP3-related conditions. ClinVar contains an entry for this variant (Variation ID: 1930073). An algorithm developed to predict the effect of missense changes on protein structure and function (PolyPhen-2) suggests that this variant is likely to be tolerated. In summary, the available evidence is currently insufficient to determine the role of this variant in disease. Therefore, it has been classified as a Variant of Uncertain Significance.

NM_001130144.3(LTBP3):c.3424C>A (p.Arg1142Ser)

Gene: LTBP3 (latent transforming growth factor beta binding protein 3; minus strand). Cytogenetic location: 11q13.1.
Variant type: single nucleotide variant.
Coding change: c.3424C>A on transcript NM_001130144.3 (MANE Select); coding-DNA position 3424, C replaced by A.
Protein change: p.Arg1142Ser; replaces arginine 1142 with serine.
Molecular consequence: missense variant.
Genome position (GRCh38, 1-based): chr11:65,539,843, G>T on the plus strand (C>A on the coding strand, the complement: LTBP3 is on the minus strand). VCF-style: chr11-65539843-G-T. GRCh37 (hg19) VCF-style: chr11-65307314-G-T.
Other names: c.3424C>A (NM_001130144.2); c.2932C>A, p.Arg978Ser (NM_001164266.1); c.3283C>A, p.Arg1095Ser (NM_021070.4); short protein forms R978S, R1142S, R1095S.
Identifiers: ClinVar variation 1930073 (VCV001930073.6), dbSNP rs1375064634, ClinGen allele CA381266908.